The following is an entry in ClinVar:

NM_198525.3(KIF7):c.775G>T (p.Val259Leu)

Gene: KIF7 (kinesin family member 7; minus strand). Cytogenetic location: 15q26.1.
Variant type: single nucleotide variant.
Coding change: c.775G>T on transcript NM_198525.3 (MANE Select); coding-DNA position 775, G replaced by T.
Protein change: p.Val259Leu; replaces valine 259 with leucine.
Molecular consequence: missense variant.
Genome position (GRCh38, 1-based): chr15:89,649,122, C>A on the plus strand (G>T on the coding strand, the complement: KIF7 is on the minus strand). VCF-style: chr15-89649122-C-A. GRCh37 (hg19) VCF-style: chr15-90192353-C-A.
Other names: short protein forms V259L.
Identifiers: ClinVar variation 3390566 (VCV003390566.1).

ClinVar aggregate classification (germline): Uncertain significance (1 of 4 stars; one submission).

Submission:

GeneDx
Classification: Uncertain significance. Last evaluated: 2024-06-12. Review status: criteria provided, single submitter. Criteria: GeneDx Variant Classification Process June 2021. Collection method: clinical testing. Allele origin: germline. Affected: yes.
Comment: Not observed at significant frequency in large population cohorts (gnomAD); In silico analysis indicates that this missense variant does not alter protein structure/function; Has not been previously published as pathogenic or benign to our knowledge